The following is an entry in ClinVar:

ClinVar aggregate classification (germline): Pathogenic/Likely pathogenic. Review status: criteria provided, multiple submitters, no conflicts (2 of 4 stars). 5 submissions from 5 submitters: Pathogenic (2); Likely pathogenic (1). 2 of the submissions do not count toward it. Last evaluated 2026-04-01.

Conditions:
Ataxia - intellectual disability - oculomotor apraxia - cerebellar cysts syndrome. Also called: Poretti-Boltshauser syndrome. Identifiers: Orphanet 370022, MedGen C4014821, MONDO:0014419, OMIM 615960.

Allele frequency attached by ClinVar (database versions not stated): gnomAD exomes below 0.00001 and 0.00001; ExAC 0.00001; gnomAD 0.00001.
gnomAD v4.1: 4 of 1,613,946 alleles (0.00025%); highest among the groups gnomAD compares: Admixed American, 0.0017%; no homozygotes.

Submissions (5):

Dasa
Classification: Pathogenic. Last evaluated: 2026-04-01. Review status: criteria provided, single submitter. Criteria: DASA Assertion Criteria. Collection method: clinical testing. Allele origin: germline.
Comment: NM_005559.4(LAMA1):c.3099G>A (p.Trp1033*) introduces a premature termination codon predicted to result in loss of normal protein function. Loss-of-function is an established mechanism of disease for this gene. This variant has been reported in an affected individual with related phenotype in a genotype context consistent with recessive disease (PMID: 39133430). The variant is present at low frequency in population datasets. Based on the available data, this variant is classified as pathogenic.

Laboratorio de Genetica e Diagnostico Molecular, Hospital Israelita Albert Einstein
Classification: Likely pathogenic for Ataxia - intellectual disability - oculomotor apraxia - cerebellar cysts syndrome. Last evaluated: 2025-08-19. Review status: criteria provided, single submitter. Criteria: ACMG Guidelines, 2015. Collection method: clinical testing. Allele origin: germline. Affected: yes.
Comment: ACMG classification criteria: PVS1 very strong, PM2 supporting

Variantyx, Inc.
Classification: Pathogenic for Ataxia - intellectual disability - oculomotor apraxia - cerebellar cysts syndrome. Last evaluated: 2025-03-17. Review status: criteria provided, single submitter. Criteria: Variantyx Assertion Criteria 2022. Collection method: clinical testing. Allele origin: germline.
Comment: This is a nonsense variant in the LAMA1 gene (OMIM: 150320). Pathogenic variants in this gene have been associated with autosomal recessive Poretti-Boltshauser syndrome. This variant introduces a premature termination codon in exon 22 out of 63. It is expected to result in loss of function, which is a known disease mechanism for LAMA1 in this disorder (PMID: 39133430) (PVS1). This variant has been identified in the compound heterozygous state in 1 individual from the published literature (PMID: 39133430) (PM3). This variant has a 0.0017% maximum allele frequency in non-founder control populations (PM2_Supporting). Based on the current evidence, this variant is classified as pathogenic for autosomal recessive Poretti-Boltshauser syndrome.

Genome Diagnostics Laboratory, Amsterdam University Medical Center
Classification: Pathogenic. Review status: no assertion criteria provided. Collection method: clinical testing. Allele origin: germline. Affected: yes. Study: VKGL Data-share Consensus. Not counted in ClinVar's aggregate classification.

Joint Genome Diagnostic Labs from Nijmegen and Maastricht, Radboudumc and MUMC+
Classification: Pathogenic. Review status: no assertion criteria provided. Collection method: clinical testing. Allele origin: germline. Affected: yes. Study: VKGL Data-share Consensus. Not counted in ClinVar's aggregate classification.

Literature cited by the submitters: PubMed 39133430 (cited by Dasa).

NM_005559.4(LAMA1):c.3099G>A (p.Trp1033Ter)

Gene: LAMA1 (laminin subunit alpha 1; minus strand). Cytogenetic location: 18p11.31.
Variant type: single nucleotide variant.
Coding change: c.3099G>A on transcript NM_005559.4 (MANE Select); coding-DNA position 3099, G replaced by A.
Protein change: p.Trp1033Ter; replaces tryptophan 1033 with a stop codon.
Molecular consequence: nonsense.
Genome position (GRCh38, 1-based): chr18:7,015,749, C>T on the plus strand (G>A on the coding strand, the complement: LAMA1 is on the minus strand). VCF-style: chr18-7015749-C-T. GRCh37 (hg19) VCF-style: chr18-7015748-C-T.
Other names: short protein forms W1033*.
Identifiers: ClinVar variation 1210079 (VCV001210079.6), dbSNP rs769655038, ClinGen allele CA8882407.